The following is an entry in ClinVar:

ClinVar aggregate classification (germline): Uncertain significance. Review status: criteria provided, single submitter (1 of 4 stars). 2 submissions from 2 submitters: Uncertain significance (1). 1 of the submissions does not count toward it. Last evaluated 2017-04-04.

Conditions:
Retinal dystrophy. Also called: Inherited retinal dystrophy. Identifiers: Orphanet 71862, MedGen C0854723, MeSH D058499, MONDO:0019118, HP:0000556.

Allele frequency attached by ClinVar (database versions not stated): gnomAD exomes below 0.00001.
gnomAD v4.1: 2 of 1,614,232 alleles (0.00012%); highest among the groups gnomAD compares: Non-Finnish European, 0.00017%; no homozygotes.

Submissions (2):

GeneDx
Classification: Uncertain significance. Last evaluated: 2017-04-04. Review status: criteria provided, single submitter. Criteria: GeneDx Variant Classification (06012015). Collection method: clinical testing. Allele origin: germline. Affected: yes.
Comment: The D660N variant in the CDHR1 gene has not been reported previously as a pathogenic variant, nor as a benign variant, to our knowledge. The D660N variant is not observed in large population cohorts (Lek et al., 2016; 1000 Genomes Consortium et al., 2015; Exome Variant Server). The D660N variant is a semi-conservative amino acid substitution, which may impact secondary protein structure as these residues differ in some properties. This substitution occurs at a position that is conserved across species. In silico analysis predicts this variant is probably damaging to the protein structure/function. We interpret D660N as a variant of uncertain significance.

Institute of Human Genetics, Univ. Regensburg, Univ. Regensburg
Classification: Uncertain significance for Retinal dystrophy. Last evaluated: 2020-01-01. Review status: no assertion criteria provided. Criteria: ACMG Guidelines, 2015. Collection method: clinical testing. Allele origin: germline. Affected: yes. Not counted in ClinVar's aggregate classification.

NM_033100.4(CDHR1):c.1978G>A (p.Asp660Asn)

Gene: CDHR1 (cadherin related family member 1; plus strand). Cytogenetic location: 10q23.1.
Variant type: single nucleotide variant.
Coding change: c.1978G>A on transcript NM_033100.4 (MANE Select); coding-DNA position 1978, G replaced by A.
Protein change: p.Asp660Asn; replaces aspartic acid 660 with asparagine.
Molecular consequence: missense variant.
Genome position (GRCh38, 1-based): chr10:84,213,286, G>A. VCF-style: chr10-84213286-G-A. GRCh37 (hg19) VCF-style: chr10-85973042-G-A.
Other names: c.1978G>A, p.Asp660Asn (NM_001171971.3); short protein forms D660N.
Identifiers: ClinVar variation 426792 (VCV000426792.3), dbSNP rs1085307801, ClinGen allele CA377378653.
Genomic context (GRCh38, chr10:84,213,286, plus strand): 5'-GCCCTGCACAACATCACACCTGGAAGGGACTGCCTATGGTCCCTAGAGGTGCAGGCCAAG[G>A]ACCGGGGCTCCCCATCCTTCAGCACCACAGCCTTACTCAAGATTGACATCACAGATGCTG-3'
Protein context (NP_149091.1, residues 650-670): CLWSLEVQAK[Asp660Asn]RGSPSFSTTA